The following is an entry in ClinVar:

ClinVar aggregate classification (germline): Uncertain significance (1 of 4 stars; one submission).

Allele frequency attached by ClinVar (database versions not stated): gnomAD exomes below 0.00001.
gnomAD v4.1: 1 of 1,591,474 alleles (0.000063%); highest among the groups gnomAD compares: Non-Finnish European, 0.000086%; no homozygotes.

Submission:

Labcorp Genetics (formerly Invitae), Labcorp
Classification: Uncertain significance. Last evaluated: 2025-05-16. Review status: criteria provided, single submitter. Criteria: Invitae Variant Classification Sherloc (09022015). Collection method: clinical testing. Allele origin: germline.
Comment: This sequence change replaces tyrosine, which is neutral and polar, with histidine, which is basic and polar, at codon 2136 of the MYO7A protein (p.Tyr2136His). This variant is not present in population databases (gnomAD no frequency). This variant has not been reported in the literature in individuals affected with MYO7A-related conditions. ClinVar contains an entry for this variant (Variation ID: 1007587). Invitae Evidence Modeling of protein sequence and biophysical properties (such as structural, functional, and spatial information, amino acid conservation, physicochemical variation, residue mobility, and thermodynamic stability) indicates that this missense variant is not expected to disrupt MYO7A protein function with a negative predictive value of 95%. In summary, the available evidence is currently insufficient to determine the role of this variant in disease. Therefore, it has been classified as a Variant of Uncertain Significance.

NM_000260.4(MYO7A):c.6406T>C (p.Tyr2136His)

Gene: MYO7A (myosin VIIA; plus strand). Cytogenetic location: 11q13.5.
Variant type: single nucleotide variant.
Coding change: c.6406T>C on transcript NM_000260.4 (MANE Select); coding-DNA position 6406, T replaced by C.
Protein change: p.Tyr2136His; replaces tyrosine 2136 with histidine.
Molecular consequence: missense variant.
Genome position (GRCh38, 1-based): chr11:77,213,003, T>C. VCF-style: chr11-77213003-T-C. GRCh37 (hg19) VCF-style: chr11-76924048-T-C.
Other names: c.6286T>C, p.Tyr2096His (NM_001127180.2); c.6259T>C, p.Tyr2087His (NM_001369365.1); short protein forms Y2087H, Y2096H, Y2136H.
Identifiers: ClinVar variation 1007587 (VCV001007587.9), dbSNP rs1957974886, ClinGen allele CA381937573.